The following is an entry in ClinVar:

NM_001457.4(FLNB):c.4061+6C>A

Gene: FLNB (filamin B; plus strand). Cytogenetic location: 3p14.3.
Variant type: single nucleotide variant.
Coding change: c.4061+6C>A on transcript NM_001457.4 (MANE Select); 6 bases into the intron after coding-DNA position 4061, C replaced by A.
Molecular consequence: intron variant.
Genome position (GRCh38, 1-based): chr3:58,125,749, C>A. VCF-style: chr3-58125749-C-A. GRCh37 (hg19) VCF-style: chr3-58111476-C-A.
Other names: c.4061+6C>A (NM_001164317.2, NM_001164318.2, NM_001164319.2).
Identifiers: ClinVar variation 2035219 (VCV002035219.4), dbSNP rs1340400888, ClinGen allele CA543248484.

ClinVar aggregate classification (germline): Uncertain significance (1 of 4 stars; one submission).

Allele frequency attached by ClinVar (database versions not stated): TOPMed below 0.00001; gnomAD 0.00001.
gnomAD v4.1: 13 of 1,613,802 alleles (0.00081%); highest among the groups gnomAD compares: Non-Finnish European, 0.0011%; no homozygotes.

Submission:

Labcorp Genetics (formerly Invitae), Labcorp
Classification: Uncertain significance. Last evaluated: 2025-03-20. Review status: criteria provided, single submitter. Criteria: Invitae Variant Classification Sherloc (09022015). Collection method: clinical testing. Allele origin: germline.
Comment: This sequence change falls in intron 23 of the FLNB gene. It does not directly change the encoded amino acid sequence of the FLNB protein. It affects a nucleotide within the consensus splice site. This variant is present in population databases (no rsID available, gnomAD 0.0009%). This variant has not been reported in the literature in individuals affected with FLNB-related conditions. ClinVar contains an entry for this variant (Variation ID: 2035219). Variants that disrupt the consensus splice site are a relatively common cause of aberrant splicing (PMID: 17576681, 9536098). Algorithms developed to predict the effect of sequence changes on RNA splicing suggest that this variant is not likely to affect RNA splicing. In summary, the available evidence is currently insufficient to determine the role of this variant in disease. Therefore, it has been classified as a Variant of Uncertain Significance.

Literature cited by the submitters: PubMed 17576681; PubMed 9536098.